The following is an entry in ClinVar:

ClinVar aggregate classification (germline): Uncertain significance (1 of 4 stars; one submission).

Submission:

Labcorp Genetics (formerly Invitae), Labcorp
Classification: Uncertain significance. Last evaluated: 2025-05-02. Review status: criteria provided, single submitter. Criteria: Invitae Variant Classification Sherloc (09022015). Collection method: clinical testing. Allele origin: germline.
Comment: This sequence change replaces phenylalanine, which is neutral and non-polar, with leucine, which is neutral and non-polar, at codon 1241 of the CYFIP2 protein (p.Phe1241Leu). This variant is not present in population databases (gnomAD no frequency). This variant has not been reported in the literature in individuals affected with CYFIP2-related conditions. Experimental studies and prediction algorithms are not available or were not evaluated, and the functional significance of this variant is currently unknown. In summary, the available evidence is currently insufficient to determine the role of this variant in disease. Therefore, it has been classified as a Variant of Uncertain Significance.

NM_001037333.3(CYFIP2):c.3721T>C (p.Phe1241Leu)

Genes: CYFIP2 (cytoplasmic FMR1 interacting protein 2; plus strand), NIPAL4-DT (NIPAL4 divergent transcript; minus strand). Cytogenetic location: 5q33.3.
Variant type: single nucleotide variant.
Coding change: c.3721T>C on transcript NM_001037333.3 (MANE Select); coding-DNA position 3721, T replaced by C.
Protein change: p.Phe1241Leu; replaces phenylalanine 1241 with leucine.
Molecular consequence: missense variant.
Genome position (GRCh38, 1-based): chr5:157,392,959, T>C. VCF-style: chr5-157392959-T-C. GRCh37 (hg19) VCF-style: chr5-156819967-T-C.
Other names: c.3643T>C, p.Phe1215Leu (NM_001291721.2); c.3796T>C, p.Phe1266Leu (NM_001291722.2); c.3721T>C, p.Phe1241Leu (NM_014376.4); short protein forms F1215L, F1241L, F1266L.
Identifiers: ClinVar variation 4718807 (VCV004718807.1).